The following is an entry in ClinVar:

NC_000011.9:g.(?_47455479)_(47460424_?)del

Gene: RAPSN (receptor associated protein of the synapse; minus strand). Cytogenetic location: 11p11.2.
Variant type: Deletion.
Identifiers: ClinVar variation 3244680 (VCV003244680.1).

ClinVar aggregate classification (germline): Pathogenic (1 of 4 stars; one submission).

Conditions:
Congenital myasthenic syndrome 11. Also called: MYASTHENIC SYNDROME, CONGENITAL, Ie; Myasthenic syndrome, congenital, 11, associated with acetylcholine receptor deficiency. Identifiers: Orphanet 590, MedGen C4225367, MONDO:0014588, OMIM 616326.
Fetal akinesia deformation sequence 1 (FADS1). Also called: Pena-Shokeir syndrome type I; Fetal akinesia sequence. Identifiers: Orphanet 994, MedGen C1276035, MONDO:0100101, OMIM 208150, HP:0001989.

Submission:

Labcorp Genetics (formerly Invitae), Labcorp
Classification: Pathogenic for Congenital myasthenic syndrome 11; Fetal akinesia deformation sequence 1. Last evaluated: 2022-08-31. Review status: criteria provided, single submitter. Criteria: Invitae Variant Classification Sherloc (09022015). Collection method: clinical testing. Allele origin: unknown.
Comment: For these reasons, this variant has been classified as Pathogenic. This variant disrupts a region of the RAPSN protein in which other variant(s) (p.Lys373del) have been determined to be pathogenic (PMID: 16945936, 19620612; Invitae). This suggests that this is a clinically significant region of the protein, and that variants that disrupt it are likely to be disease-causing. This variant has not been reported in the literature in individuals affected with RAPSN-related conditions. This variant results in the deletion of exon(s) 8 and part of exon 7 (c.1025_*4047del) of the RAPSN gene. While this deletion is not anticipated to lead to nonsense mediated decay, it is expected to alter mRNA translation or result in a truncated protein product.

Literature cited by the submitters: PubMed 16945936; PubMed 19620612.